The following is an entry in ClinVar:

ClinVar aggregate classification (germline): Pathogenic. Review status: criteria provided, multiple submitters, no conflicts (2 of 4 stars). 3 submissions from 3 submitters: Pathogenic (2). 1 of the submissions does not count toward it. Last evaluated 2025-05-28.

Conditions:
Autosomal recessive RPGRIP1L-related disorders.
Meckel-Gruber syndrome. Also called: DYSENCEPHALIA SPLANCHNOCYSTICA; GRUBER SYNDROME; Dysencephalia splachnocystica. Identifiers: Orphanet 564, MedGen C0265215, MONDO:0018921.
Joubert syndrome. Also called: JOUBERT-BOLTSHAUSER SYNDROME; Familial aplasia of the vermis. Identifiers: Orphanet 475, MedGen C5979921, MONDO:0018772.
Meckel syndrome, type 5 (MKS5). Identifiers: Orphanet 564, MedGen C1969052, MONDO:0012695, OMIM 611561.

Allele frequency attached by ClinVar (database versions not stated): TOPMed 0.00001.

Submissions (3):

Variantyx, Inc.
Classification: Pathogenic for Autosomal recessive RPGRIP1L-related disorders. Last evaluated: 2025-05-28. Review status: criteria provided, single submitter. Criteria: Variantyx Assertion Criteria 2022. Collection method: clinical testing. Allele origin: germline. Inheritance: Autosomal recessive inheritance. Affected: yes.
Comment: This is a nonsense variant in the RPGRIP1L gene (OMIM: 610937). Pathogenic variants in this gene have been associated with autosomal recessive RPGRIP1L-related disorders. This variant introduces a premature termination codon in exon 9 out of 27 and is expected to result in loss of function, which is a known disease mechanism for RPGRIP1L in these disorders (PMID: 17558409) (PVS1). Based on the current evidence, this variant is classified as pathogenic for autosomal recessive RPGRIP1L-related disorders.

Labcorp Genetics (formerly Invitae), Labcorp
Classification: Pathogenic for Joubert syndrome; Meckel-Gruber syndrome. Last evaluated: 2023-01-28. Review status: criteria provided, single submitter. Criteria: Invitae Variant Classification Sherloc (09022015). Collection method: clinical testing. Allele origin: germline.
Comment: ClinVar contains an entry for this variant (Variation ID: 1073). For these reasons, this variant has been classified as Pathogenic. This premature translational stop signal has been observed in individual(s) with RPGRIP1L-related conditions (PMID: 17558409). This variant is not present in population databases (gnomAD no frequency). This sequence change creates a premature translational stop signal (p.Gln345*) in the RPGRIP1L gene. It is expected to result in an absent or disrupted protein product. Loss-of-function variants in RPGRIP1L are known to be pathogenic (PMID: 17558409).

OMIM
Classification: Pathogenic for MECKEL SYNDROME, TYPE 5. Last evaluated: 2007-07-01. Review status: no assertion criteria provided. Collection method: literature only. Allele origin: germline. Not counted in ClinVar's aggregate classification.

Literature cited by the submitters: PubMed 17558409 (cited by 3 submitters).

NM_015272.5(RPGRIP1L):c.1033C>T (p.Gln345Ter)

Gene: RPGRIP1L (RPGRIP1 like; minus strand). Cytogenetic location: 16q12.2.
Variant type: single nucleotide variant.
Coding change: c.1033C>T on transcript NM_015272.5 (MANE Select); coding-DNA position 1033, C replaced by T.
Protein change: p.Gln345Ter; replaces glutamine 345 with a stop codon.
Molecular consequence: nonsense.
Genome position (GRCh38, 1-based): chr16:53,671,580, G>A on the plus strand (C>T on the coding strand, the complement: RPGRIP1L is on the minus strand). VCF-style: chr16-53671580-G-A. GRCh37 (hg19) VCF-style: chr16-53705492-G-A.
Other names: c.1033C>T, p.Gln345Ter (NM_001127897.4, NM_001308334.3, NM_001330538.2); short protein forms Q345*.
Identifiers: ClinVar variation 1073 (VCV000001073.6), dbSNP rs121918202, ClinGen allele CA114732.